The following is an entry in ClinVar:

ClinVar aggregate classification (germline): Uncertain significance (1 of 4 stars; one submission).

Conditions:
Cardiovascular phenotype. Identifiers: MedGen CN230736.

gnomAD v4.1: 2 of 1,613,862 alleles (0.00012%); highest among the groups gnomAD compares: African/African-American, 0.0013%; no homozygotes.

Submission:

Ambry Genetics
Classification: Uncertain significance for Cardiovascular phenotype. Last evaluated: 2026-01-02. Review status: criteria provided, single submitter. Criteria: Ambry Variant Classification Scheme 2023. Collection method: clinical testing. Allele origin: germline.
Comment: The p.Q1497P variant (also known as c.4490A>C), located in coding exon 17 of the AKAP9 gene, results from an A to C substitution at nucleotide position 4490. The glutamine at codon 1497 is replaced by proline, an amino acid with similar properties. This amino acid position is conserved. In addition, this alteration is predicted to be tolerated by in silico analysis. Based on the available evidence, the clinical significance of this variant remains unclear.

NM_005751.5(AKAP9):c.4490A>C (p.Gln1497Pro)

Gene: AKAP9 (A-kinase anchoring protein 9; plus strand). Cytogenetic location: 7q21.2.
Variant type: single nucleotide variant.
Coding change: c.4490A>C on transcript NM_005751.5 (MANE Select); coding-DNA position 4490, A replaced by C.
Protein change: p.Gln1497Pro; replaces glutamine 1497 with proline.
Molecular consequence: missense variant.
Genome position (GRCh38, 1-based): chr7:92,038,570, A>C. VCF-style: chr7-92038570-A-C. GRCh37 (hg19) VCF-style: chr7-91667884-A-C.
Other names: c.4490A>C, p.Gln1497Pro (NM_147185.3); short protein forms Q1497P.
Identifiers: ClinVar variation 4842385 (VCV004842385.1).